The following is an entry in ClinVar:

ClinVar aggregate classification (germline): Likely pathogenic (1 of 4 stars; one submission).

Allele frequency attached by ClinVar (database versions not stated): gnomAD exomes below 0.00001.

Submission:

Labcorp Genetics (formerly Invitae), Labcorp
Classification: Likely pathogenic. Last evaluated: 2022-07-11. Review status: criteria provided, single submitter. Criteria: Invitae Variant Classification Sherloc (09022015). Collection method: clinical testing. Allele origin: germline.
Comment: In summary, the currently available evidence indicates that the variant is pathogenic, but additional data are needed to prove that conclusively. Therefore, this variant has been classified as Likely Pathogenic. Algorithms developed to predict the effect of sequence changes on RNA splicing suggest that this variant may disrupt the consensus splice site. This variant has not been reported in the literature in individuals affected with DUOX2-related conditions. This variant is present in population databases (no rsID available, gnomAD 0.003%). This sequence change affects a donor splice site in intron 26 of the DUOX2 gene. It is expected to disrupt RNA splicing. Variants that disrupt the donor or acceptor splice site typically lead to a loss of protein function (PMID: 16199547), and loss-of-function variants in DUOX2 are known to be pathogenic (PMID: 12110737, 18765513, 21565790, 24423310, 24735383).

Literature cited by the submitters: PubMed 16199547; PubMed 12110737; PubMed 18765513; PubMed 21565790; PubMed 24423310; PubMed 24735383.

NM_001363711.2(DUOX2):c.3515+1G>A

Gene: DUOX2 (dual oxidase 2; minus strand). Cytogenetic location: 15q21.1.
Variant type: single nucleotide variant.
Coding change: c.3515+1G>A on transcript NM_001363711.2 (MANE Select); the canonical splice donor site of the intron after coding-DNA position 3515, G replaced by A.
Molecular consequence: splice donor variant.
Genome position (GRCh38, 1-based): chr15:45,099,382, C>T on the plus strand (G>A on the coding strand, the complement: DUOX2 is on the minus strand). VCF-style: chr15-45099382-C-T. GRCh37 (hg19) VCF-style: chr15-45391580-C-T.
Other names: c.3515+1G>A (NM_014080.5).
Identifiers: ClinVar variation 2002279 (VCV002002279.4), dbSNP rs1179439325, ClinGen allele CA392258539.